The following is an entry in ClinVar:

NM_000142.5(FGFR3):c.158G>C (p.Ser53Thr)

Gene: FGFR3 (fibroblast growth factor receptor 3; plus strand). Cytogenetic location: 4p16.3.
Variant type: single nucleotide variant.
Coding change: c.158G>C on transcript NM_000142.5 (MANE Select); coding-DNA position 158, G replaced by C.
Protein change: p.Ser53Thr; replaces serine 53 with threonine.
Molecular consequence: missense variant. On other transcripts: non-coding transcript variant (1).
Genome position (GRCh38, 1-based): chr4:1,799,302, G>C. VCF-style: chr4-1799302-G-C. GRCh37 (hg19) VCF-style: chr4-1801029-G-C.
Other names: c.158G>C, p.Ser53Thr (NM_001163213.2, NM_001354809.2, NM_001354810.2 and 1 more transcripts); short protein forms S53T.
Identifiers: ClinVar variation 501373 (VCV000501373.17), dbSNP rs201433984, ClinGen allele CA2809731.

ClinVar aggregate classification (germline): Uncertain significance. Review status: criteria provided, multiple submitters, no conflicts (2 of 4 stars). 6 submissions from 6 submitters: Uncertain significance (5). 1 of the submissions does not count toward it. Last evaluated 2026-06-23.

Conditions:
FGFR3-related chondrodysplasia. Identifiers: Orphanet 93420, MedGen C5681604, MONDO:0019685.
FGFR3-related disorder. Also called: FGFR3-related disorders.
Hepatoblastoma. Identifiers: Orphanet 449, MedGen C0206624, MONDO:0018666, HP:0002884.

Allele frequency attached by ClinVar (database versions not stated): gnomAD exomes 0.00001 and 0.00002; ExAC 0.00002; gnomAD 0.00013 and 0.00014; 1000 Genomes Project 30x 0.00016; TOPMed 0.00017; 1000 Genomes Project 0.00020.
gnomAD v4.1: 37 of 1,612,748 alleles (0.0023%); highest among the groups gnomAD compares: Admixed American, 0.042%; no homozygotes.

Submissions (6):

Genomenon, Inc
Classification: Uncertain significance for FGFR3-related chondrodysplasia. Last evaluated: 2026-06-23. Review status: criteria provided, single submitter. Criteria: Genomenon Sequence Variant Interpretation Standards - Updated. Collection method: curation. Allele origin: germline. Affected: no.
Comment: FGFR3 p.Ser53Thr (c.158G>C) is a missense variant that changes the amino acid at codon 53 from Serine to Threonine. This variant has been reported in the published literature (PMID:35495172). It is absent or not present at a significant frequency in gnomAD. In silico models predict that this variant is not damaging. In conclusion, we classify FGFR3 p.Ser53Thr (c.158G>C) as a variant of uncertain significance.

PreventionGenetics, part of Exact Sciences
Classification: Uncertain significance for FGFR3-related condition. Last evaluated: 2026-05-27. Review status: criteria provided, single submitter. Criteria: ACMG Guidelines, 2015. Collection method: clinical testing. Allele origin: germline.
Comment: The FGFR3 c.158G>C variant is predicted to result in the amino acid substitution p.Ser53Thr. This variant was reported in an individual with hepatoblastoma (Aguiar et al. 2022. PubMed ID: 35495172). This variant is reported in 0.0029% of alleles in individuals of Latino descent in gnomAD. At this time, the clinical significance of this variant is uncertain due to the absence of conclusive functional and genetic evidence.

Labcorp Genetics (formerly Invitae), Labcorp
Classification: Uncertain significance. Last evaluated: 2025-07-22. Review status: criteria provided, single submitter. Criteria: Invitae Variant Classification Sherloc (09022015). Collection method: clinical testing. Allele origin: germline.
Comment: This sequence change replaces serine, which is neutral and polar, with threonine, which is neutral and polar, at codon 53 of the FGFR3 protein (p.Ser53Thr). This variant is present in population databases (rs201433984, gnomAD no frequency). This variant has not been reported in the literature in individuals affected with FGFR3-related conditions. ClinVar contains an entry for this variant (Variation ID: 501373). Invitae Evidence Modeling of protein sequence and biophysical properties (such as structural, functional, and spatial information, amino acid conservation, physicochemical variation, residue mobility, and thermodynamic stability) has been performed for this missense variant. However, the output from this modeling did not meet the statistical confidence thresholds required to predict the impact of this variant on FGFR3 protein function. In summary, the available evidence is currently insufficient to determine the role of this variant in disease. Therefore, it has been classified as a Variant of Uncertain Significance.

Women's Health and Genetics/Laboratory Corporation of America, LabCorp
Classification: Uncertain significance. Last evaluated: 2025-03-28. Review status: criteria provided, single submitter. Criteria: LabCorp Variant Classification Summary - May 2015. Collection method: clinical testing. Allele origin: germline.
Comment: Variant summary: FGFR3 c.158G>C (p.Ser53Thr) results in a conservative amino acid change located in the Immunoglobulin subtype 2 (IPR003598) of the encoded protein sequence. Five of five in-silico tools predict a benign effect of the variant on protein function. The variant allele was found at a frequency of 1.6e-05 in 246024 control chromosomes. The available data on variant occurrences in the general population are insufficient to allow any conclusion about variant significance. c.158G>C has been reported in the literature in one individual affected with Hepatoblastoma (Aguiar_2022), without strong evidence for causality. These report(s) do not provide unequivocal conclusions about association of the variant with Achondroplasia. To our knowledge, no experimental evidence demonstrating an impact on protein function has been reported. The following publication have been ascertained in the context of this evaluation (PMID: 35495172). ClinVar contains an entry for this variant (Variation ID: 501373). Based on the evidence outlined above, the variant was classified as uncertain significance.

Eurofins Ntd Llc (ga)
Classification: Uncertain significance. Last evaluated: 2017-05-01. Review status: criteria provided, single submitter. Criteria: EGL Classification Definitions 2015. Collection method: clinical testing. Allele origin: germline. Observed: 1 variant allele, 1 heterozygote.

Molecular Oncology -  Human Genetics Lab, University of Sao Paulo
Classification: Likely pathogenic for Hepatoblastoma. Review status: no assertion criteria provided. Collection method: research. Allele origin: germline. Affected: yes. Not counted in ClinVar's aggregate classification.

Literature cited by the submitters: PubMed 35495172 (cited by Genomenon, Inc and Women's Health and Genetics/Laboratory Corporation of America, LabCorp).